The following is an entry in ClinVar:

ClinVar aggregate classification (germline): Likely pathogenic (0 of 4 stars; one submission).

Conditions:
Ataxia-telangiectasia syndrome (AT). Also called: LOUIS-BAR SYNDROME; Cerebello-oculocutaneous telangiectasia; Immunodeficiency with ataxia telangiectasia; Ataxia-telangiectasia, complementation group D; AT, COMPLEMENTATION GROUP C; ATAXIA-TELANGIECTASIA, COMPLEMENTATION GROUP A. Identifiers: Orphanet 100, MedGen C0004135, MONDO:0008840, OMIM 208900.

Submission:

Research Unit of Clinical Medicine, Medical Research Center Oulu, University of Oulu
Classification: Likely pathogenic for Ataxia-telangiectasia syndrome. Last evaluated: 2021-07-06. Review status: no assertion criteria provided. Collection method: research. Allele origin: germline. Affected: yes. Observed: 1 variant allele.
Comment: The variant causes a frameshift in a amino acid position p.His605. The variant causes early termination of the protein and therefore, the variant is potentially pathogenic.

NM_000051.4(ATM):c.1813del (p.His605fs)

Gene: ATM (ATM serine/threonine kinase; plus strand). Cytogenetic location: 11q22.3.
Variant type: Deletion.
Coding change: c.1813del on transcript NM_000051.4 (MANE Select); coding-DNA position 1813, one base deleted (C; older notation c.1813delC).
Protein change: p.His605fs; shifts the reading frame from histidine 605.
Molecular consequence: frameshift variant.
Genome position (GRCh38, 1-based): chr11:108,252,827, C deleted. VCF-style (leftmost placement, unchanged base first): chr11-108252826-TC-T. GRCh37 (hg19) VCF-style: chr11-108123553-TC-T.
Other names: c.1813delC (NM_001351834.2); c.1813del, p.His605fs (NM_001351834.2); short protein forms H605fs.
Identifiers: ClinVar variation 1192186 (VCV001192186.3), dbSNP rs2135352736, ClinGen allele CA2499220577.
Genomic context (GRCh38, chr11:108,252,826, plus strand): 5'-CTTTACATGGCTTTTGGTCTTCTAAGTGAAGCTTTTTGTTTTTCTTTGTAGTAATTTTCC[TC>T]ATCTTGTACTGGAGAAAATTCTTGTGAGTCTCACTATGAAAAACTGTAAAGCTGCAATGA-3'